The following is an entry in ClinVar:

ClinVar aggregate classification (germline): Pathogenic (1 of 4 stars; one submission).

Conditions:
Hereditary insensitivity to pain with anhidrosis (CIPA). Also called: FAMILIAL DYSAUTONOMIA, TYPE II; hereditary sensory and autonomic neuropathy type 4; INSENSITIVITY TO PAIN, CONGENITAL, WITH ANHIDROSIS; HSAN Type IV; NTRK1 Congenital Insensitivity to Pain with Anhidrosis; NEUROPATHY, CONGENITAL SENSORY, WITH ANHIDROSIS. Identifiers: Orphanet 642, MedGen C0020074, MONDO:0009746, OMIM 256800.

Submission:

Labcorp Genetics (formerly Invitae), Labcorp
Classification: Pathogenic for Hereditary insensitivity to pain with anhidrosis. Last evaluated: 2022-06-13. Review status: criteria provided, single submitter. Criteria: Invitae Variant Classification Sherloc (09022015). Collection method: clinical testing. Allele origin: germline.
Comment: This variant has not been reported in the literature in individuals affected with NTRK1-related conditions. This variant is not present in population databases (gnomAD no frequency). This sequence change creates a premature translational stop signal (p.Gln76*) in the NTRK1 gene. It is expected to result in an absent or disrupted protein product. Loss-of-function variants in NTRK1 are known to be pathogenic (PMID: 10982191). Algorithms developed to predict the effect of sequence changes on RNA splicing suggest that this variant may disrupt the consensus splice site. For these reasons, this variant has been classified as Pathogenic.

Literature cited by the submitters: PubMed 10982191.

NM_002529.4(NTRK1):c.226C>T (p.Gln76Ter)

Gene: NTRK1 (neurotrophic receptor tyrosine kinase 1; plus strand). Cytogenetic location: 1q23.1.
Variant type: single nucleotide variant.
Coding change: c.226C>T on transcript NM_002529.4 (MANE Select); coding-DNA position 226, C replaced by T.
Protein change: p.Gln76Ter; replaces glutamine 76 with a stop codon.
Molecular consequence: nonsense.
Genome position (GRCh38, 1-based): chr1:156,864,367, C>T. VCF-style: chr1-156864367-C-T. GRCh37 (hg19) VCF-style: chr1-156834159-C-T.
Other names: c.226C>T, p.Gln76Ter (NM_001007204.1, NM_001012331.2); c.136C>T, p.Gln46Ter (NM_001007792.1); short protein forms Q46*, Q76*.
Identifiers: ClinVar variation 1930182 (VCV001930182.5), dbSNP rs2102885178, ClinGen allele CA342931507.